The following continues an entry in ClinVar:

NM_000038.6(APC):c.70C>T (p.Arg24Ter)

Gene: APC. ClinVar aggregate classification (germline): Uncertain significance. Uncertain significance (1).

Submissions 6 to 19 of 20:

Clinical Genetics Laboratory, Skane University Hospital Lund
Classification: Uncertain significance for Familial adenomatous polyposis 1. Last evaluated: 2024-10-04. Review status: criteria provided, single submitter. Criteria: ACMG Guidelines, 2015. Collection method: clinical testing. Allele origin: germline. Affected: yes. Not counted in ClinVar's aggregate classification.
Comment: Truncating variant in the 5' end of APC which has historically been considered to be associated with AFAP and lower penetrance. However, APC c.70C>T p.(Arg24*) is present in gnomAD at a frequency >0.001% and has also been observed in many healthy adults. According to the ClinGen InSiGHT Hereditary Colorectal Cancer/Polyposis Expert Panel Specifications to the ACMG/AMP Variant Interpretation Guidelines for APC Version 2.1.0 this variant could possibly even reach a benign status (PVS1_not applicable, BS1, BS2). In the absence of formal case-control data, a classification as a variant of uncertain significance was applied.

All of Us Research Program, National Institutes of Health
Classification: Likely pathogenic for Classic or attenuated familial adenomatous polyposis. Last evaluated: 2024-07-10. Review status: criteria provided, single submitter. Criteria: ACMG Guidelines, 2015. Collection method: clinical testing. Allele origin: germline. Inheritance: Autosomal dominant inheritance. Observed: 5 variant alleles, 5 heterozygotes. Not counted in ClinVar's aggregate classification.
Comment: This variant changes 1 nucleotide in exon 2 of the APC gene, creating a premature translation stop signal. Alterations that cause premature truncation in the amino (N-) terminus of the APC protein have been associated with an attenuated phenotype and may have reduced penetrance and/or expressivity in comparison to classic familial adenomatous polyposis syndrome (FAP; PMID: 9585611, 11257105). This nonsense variant has been observed in individuals affected with attenuated familial adenomatous polyposis (AFAP) as well as in individuals lacking clinical features of AFAP (PMID: 18433509, communications with external laboratories), which suggests that this variant may have reduced penetrance and/or expressivity compared to individuals with conventional AFAP (PMID: 34666312). This variant also has been reported in an individual affected with a Lynch syndrome-associated cancer and/or colorectal polyps (PMID: 25980754). This variant has been identified in 7/282632 chromosomes in the general population by the Genome Aggregation Database (gnomAD). Loss of APC function is a known mechanism of disease. Based on the available evidence, this variant is classified as Likely Pathogenic with reduced penetrance.

This study involves interpretation of variants in research participants for the purpose of population health screening. Participant phenotype was not available at the time of variant classification. Additional details can be found in publication PMID: 35346344, PMCID: PMC8962531

Women's Health and Genetics/Laboratory Corporation of America, LabCorp
Classification: Pathogenic for Attenuated familial adenomatous polyposis. Last evaluated: 2024-05-13. Review status: criteria provided, single submitter. Criteria: LabCorp Variant Classification Summary - May 2015. Collection method: clinical testing. Allele origin: germline. Not counted in ClinVar's aggregate classification.
Comment: Variant summary: APC c.70C>T (p.Arg24X) results in a premature termination codon, predicted to cause a truncation of the encoded protein or absence of the protein due to nonsense mediated decay, which are commonly known mechanisms for disease. Some truncating mutations in the 5' end of the APC gene have been found to be associated with an attenuated phenotype of familial adenomatous polyposis coli (AFAP), as it was demonstrated that a downstream in-frame alternative start codon (codon 184) may generate a partially functional protein (see e.g. PMID: 12034871). However, to our knowledge, no experimental evidence demonstrating this scenario has been reported for the variant of interest. The variant allele was found at a frequency of 2.4e-05 in 251240 control chromosomes. c.70C>T has been reported in the literature in an individual affected with AFAP (Kanter-Smoler 2008) and in an other individual affected with Lynch syndrome-associated cancer and/or polyps (Yurgelun 2015). These data indicate that the variant may be associated with disease. The following publications have been ascertained in the context of this evaluation (PMID: 18433509, 25980754). ClinVar contains an entry for this variant (Variation ID: 184702). Based on the evidence outlined above, the variant was classified as pathogenic.

Baylor Genetics
Classification: Pathogenic for Familial adenomatous polyposis 1. Last evaluated: 2023-09-23. Review status: criteria provided, single submitter. Criteria: ACMG Guidelines, 2015. Collection method: clinical testing. Allele origin: unknown. Not counted in ClinVar's aggregate classification.

Blueprint Genetics
Classification: Likely pathogenic for APC-related disorders. Last evaluated: 2023-07-13. Review status: criteria provided, single submitter. Criteria: ACMG Guidelines, 2015. Collection method: clinical testing. Allele origin: germline. Affected: yes. Observed: 4 variant alleles. Not counted in ClinVar's aggregate classification.

Myriad Genetics, Inc.
Classification: Pathogenic for Familial adenomatous polyposis 1. Last evaluated: 2023-02-16. Review status: criteria provided, single submitter. Criteria: Myriad Autosomal Dominant, Autosomal Recessive and X-Linked Classification Criteria (2023). Collection method: clinical testing. Allele origin: unknown. Not counted in ClinVar's aggregate classification.
Comment: This variant is considered pathogenic. This variant creates a termination codon and is predicted to result in premature protein truncation.

GeneDx
Classification: Pathogenic. Last evaluated: 2022-09-20. Review status: criteria provided, single submitter. Criteria: GeneDx Variant Classification Process June 2021. Collection method: clinical testing. Allele origin: germline. Affected: yes. Not counted in ClinVar's aggregate classification.
Comment: Nonsense variant predicted to result in protein truncation or nonsense mediated decay in a gene for which loss-of-function is a known mechanism of disease; Not observed at significant frequency in large population cohorts (gnomAD); This variant is associated with the following publications: (PMID: 28590426, 26681312, 25980754, 30322717, 30720243, 31447099, 29625052, 26689913, 33442023, 32980694, 18433509)

St. Jude Molecular Pathology, St. Jude Children's Research Hospital
Classification: Pathogenic for Familial adenomatous polyposis 1. Last evaluated: 2021-07-22. Review status: criteria provided, single submitter. Criteria: St. Jude Assertion Criteria 2020. Collection method: clinical testing. Allele origin: germline. Not counted in ClinVar's aggregate classification.
Comment: The APC c.70C>T (p.Arg24Ter) change is a nonsense variant that is predicted to cause premature protein truncation and loss of normal protein function (PVS1). Pathogenic variants in the 5â€™ end of the APC gene have been shown to be associated with an attenuated form of familial adenomatous polyposis since alternative translational initiation at codon 184 may result in a partially functional APC protein (PMID: 12034871, 16461775, 18433509). This variant has a maximum non-founder subpopulation frequency of 0.0016% in gnomAD v2.1.1. It has been reported in individuals with a personal and/or family history of attenuated familial adenomatous polyposis (PS4; PMID: 18433509, internal data), colorectal cancer (PMID: 28135145), and suspected Lynch syndrome (PMID: 25980754). In summary, this variant meets criteria to be classified as pathogenic based on the ACMG/AMP criteria: PVS1, PS4.

Laboratory for Molecular Medicine, Mass General Brigham Personalized Medicine
Classification: Pathogenic for Familial multiple polyposis syndrome. Last evaluated: 2020-03-03. Review status: criteria provided, single submitter. Criteria: ACMG Guidelines, 2015. Collection method: clinical testing. Allele origin: germline. Inheritance: Autosomal dominant inheritance. Not counted in ClinVar's aggregate classification.
Comment: The p.Arg24X variant in APC has been reported in 1 individual with attenuated familial adenomatous polyposis (AFAP) and 1 individual with suspected Lynch syndrome (Kanter-Smoler 2008, Yurgelun 2015) and has also been reported by other clinical laboratories in ClinVar (Variant ID 184702). It has been identified in 4/25788 Finnish chromosomes by the Genome Aggregation Database (gnomAD). Please note that for diseases with clinical variability, reduced penetrance, or recessive inheritance, pathogenic variants may be present at a low frequency in the general population. This nonsense variant leads to a premature termination codon at position 24, which is predicted to lead to a truncated or absent protein. Heterozygous loss of function of the APC gene is an established disease mechanism in individuals with FAP. However, truncating variants in the 5' end of the APC gene, where this variant is located, have typically been associated with AFAP (Jasperson 2017). In summary, this variant meets criteria to be classified as pathogenic for FAP, likely in the attenuated form, in an autosomal dominant manner, based upon predicted impact to the protein, presence in affected individuals, and frequency in the general population. ACMG/AMP Criteria applied: PVS1, PM2_supporting, PS4_supporting.

Clinical Genetics and Genomics, Karolinska University Hospital
Classification: Pathogenic. Last evaluated: 2019-12-06. Review status: criteria provided, single submitter. Criteria: ACMG Guidelines, 2015. Collection method: clinical testing. Allele origin: germline. Affected: yes. Observed: 1 variant allele. Not counted in ClinVar's aggregate classification.

Fulgent Genetics
Classification: Pathogenic for Colorectal cancer; Hepatocellular carcinoma; Desmoid disease, hereditary; Familial adenomatous polyposis 1; Gastric cancer. Last evaluated: 2018-10-31. Review status: criteria provided, single submitter. Criteria: ACMG Guidelines, 2015. Collection method: clinical testing. Allele origin: unknown. Not counted in ClinVar's aggregate classification.

ARUP Laboratories, Molecular Genetics and Genomics, ARUP Laboratories
Classification: Pathogenic. Last evaluated: 2017-01-12. Review status: criteria provided, single submitter. Criteria: ARUP Molecular Germline Variant Investigation Process. Collection method: clinical testing. Allele origin: germline. Not counted in ClinVar's aggregate classification.

Laboratory for Genotyping Development, RIKEN
Classification: Pathogenic for Gastric cancer. Last evaluated: 2021-07-01. Review status: no assertion criteria provided. Collection method: research. Allele origin: germline. Not counted in ClinVar's aggregate classification.

Counsyl
Classification: Likely pathogenic for Familial adenomatous polyposis 1. Last evaluated: 2016-03-10. Review status: no assertion criteria provided. Collection method: clinical testing. Allele origin: unknown. Not counted in ClinVar's aggregate classification.